The following is an entry in ClinVar:

ClinVar aggregate classification (germline): Uncertain significance. Review status: criteria provided, multiple submitters, no conflicts (2 of 4 stars). 2 submissions from 2 submitters: Uncertain significance (2). Last evaluated 2025-12-19.

Conditions:
Inborn genetic diseases. Identifiers: MedGen C0950123, MeSH D030342.

gnomAD v4.1: 29 of 1,613,826 alleles (0.0018%); highest among the groups gnomAD compares: African/African-American, 0.032%; no homozygotes.

Submissions (2):

Labcorp Genetics (formerly Invitae), Labcorp
Classification: Uncertain significance. Last evaluated: 2025-12-19. Review status: criteria provided, single submitter. Criteria: Invitae Variant Classification Sherloc (09022015). Collection method: clinical testing. Allele origin: germline.
Comment: This sequence change replaces alanine, which is neutral and non-polar, with glutamic acid, which is acidic and polar, at codon 288 of the DFNA5 protein (p.Ala288Glu). This variant is present in population databases (rs150896230, gnomAD 0.03%). This variant has not been reported in the literature in individuals affected with DFNA5-related conditions. ClinVar contains an entry for this variant (Variation ID: 3282952). An algorithm developed to predict the effect of missense changes on protein structure and function outputs the following: PolyPhen-2: "Benign". The glutamic acid amino acid residue is found in multiple mammalian species, which suggests that this missense change does not adversely affect protein function. In summary, the available evidence is currently insufficient to determine the role of this variant in disease. Therefore, it has been classified as a Variant of Uncertain Significance.

Ambry Genetics
Classification: Uncertain significance for Inborn genetic diseases. Last evaluated: 2024-06-11. Review status: criteria provided, single submitter. Criteria: Ambry Variant Classification Scheme 2023. Collection method: clinical testing. Allele origin: germline.

NM_001127453.2(GSDME):c.863C>A (p.Ala288Glu)

Gene: GSDME (gasdermin E; minus strand). Cytogenetic location: 7p15.3.
Variant type: single nucleotide variant.
Coding change: c.863C>A on transcript NM_001127453.2 (MANE Select); coding-DNA position 863, C replaced by A.
Protein change: p.Ala288Glu; replaces alanine 288 with glutamic acid.
Molecular consequence: missense variant.
Genome position (GRCh38, 1-based): chr7:24,708,254, G>T on the plus strand (C>A on the coding strand, the complement: GSDME is on the minus strand). VCF-style: chr7-24708254-G-T. GRCh37 (hg19) VCF-style: chr7-24747873-G-T.
Other names: c.371C>A, p.Ala124Glu (NM_001127454.2); c.863C>A, p.Ala288Glu (NM_004403.3); short protein forms A124E, A288E.
Identifiers: ClinVar variation 3282952 (VCV003282952.2).